The following is an entry in ClinVar:

NM_001031710.3(KLHL7):c.937-2A>G

Gene: KLHL7 (kelch like family member 7; plus strand). Cytogenetic location: 7p15.3.
Variant type: single nucleotide variant.
Coding change: c.937-2A>G on transcript NM_001031710.3 (MANE Select); the canonical splice acceptor site of the intron before coding-DNA position 937, A replaced by G.
Molecular consequence: splice acceptor variant.
Genome position (GRCh38, 1-based): chr7:23,165,696, A>G. VCF-style: chr7-23165696-A-G. GRCh37 (hg19) VCF-style: chr7-23205315-A-G.
Other names: c.793-2A>G (NM_018846.5).
Identifiers: ClinVar variation 960767 (VCV000960767.9), dbSNP rs369975121, ClinGen allele CA4186530.

ClinVar aggregate classification (germline): Likely pathogenic. Review status: criteria provided, multiple submitters, no conflicts (2 of 4 stars). 2 submissions from 2 submitters: Likely pathogenic (2). Last evaluated 2022-09-06.

Conditions:
KLHL7-related disorder. Also called: KLHL7-related condition; KLHL7-related disorders.

Allele frequency attached by ClinVar (database versions not stated): gnomAD exomes below 0.00001; ExAC 0.00001; gnomAD 0.00001; TOPMed 0.00001; ESP Exome Variant Server 0.00008.
gnomAD v4.1: 3 of 1,613,996 alleles (0.00019%); highest among the groups gnomAD compares: Non-Finnish European, 0.00017%; no homozygotes.

Submissions (2):

Labcorp Genetics (formerly Invitae), Labcorp
Classification: Likely pathogenic. Last evaluated: 2022-09-06. Review status: criteria provided, single submitter. Criteria: Invitae Variant Classification Sherloc (09022015). Collection method: clinical testing. Allele origin: germline.
Comment: In summary, the currently available evidence indicates that the variant is pathogenic, but additional data are needed to prove that conclusively. Therefore, this variant has been classified as Likely Pathogenic. Algorithms developed to predict the effect of sequence changes on RNA splicing suggest that this variant may disrupt the consensus splice site. ClinVar contains an entry for this variant (Variation ID: 960767). This variant has not been reported in the literature in individuals affected with KLHL7-related conditions. This variant is present in population databases (rs369975121, gnomAD 0.0009%). This sequence change affects an acceptor splice site in intron 7 of the KLHL7 gene. It is expected to disrupt RNA splicing. Variants that disrupt the donor or acceptor splice site typically lead to a loss of protein function (PMID: 16199547), and loss-of-function variants in KLHL7 are known to be pathogenic (PMID: 27392078, 29074562, 30426380, 31953236).

Blueprint Genetics
Classification: Likely pathogenic for KLHL7-related disorders. Last evaluated: 2017-08-12. Review status: criteria provided, single submitter. Criteria: ACMG Guidelines, 2015. Collection method: clinical testing. Allele origin: germline. Affected: yes. Observed: 3 variant alleles.

Literature cited by the submitters: PubMed 16199547 (cited by Labcorp Genetics (formerly Invitae), Labcorp); PubMed 27392078 (cited by Labcorp Genetics (formerly Invitae), Labcorp); PubMed 29074562 (cited by Labcorp Genetics (formerly Invitae), Labcorp); PubMed 30426380 (cited by Labcorp Genetics (formerly Invitae), Labcorp); PubMed 31953236 (cited by Labcorp Genetics (formerly Invitae), Labcorp).